The following is an entry in ClinVar:

ClinVar aggregate classification (germline): Uncertain significance (1 of 4 stars; one submission).

Conditions:
Hypertrophic cardiomyopathy. Also called: HYPERTROPHIC MYOCARDIOPATHY. Identifiers: Orphanet 217569, MedGen C0007194, MeSH D002312, MONDO:0005045, HP:0001639.

Submission:

Labcorp Genetics (formerly Invitae), Labcorp
Classification: Uncertain significance for Hypertrophic cardiomyopathy. Last evaluated: 2022-05-03. Review status: criteria provided, single submitter. Criteria: Invitae Variant Classification Sherloc (09022015). Collection method: clinical testing. Allele origin: unknown.
Comment: In summary, the available evidence is currently insufficient to determine the role of this variant in disease. Therefore, it has been classified as a Variant of Uncertain Significance. Experimental studies and prediction algorithms are not available or were not evaluated, and the functional significance of this variant is currently unknown. This variant has not been reported in the literature in individuals affected with TPM1-related conditions. This variant is a gross deletion of the genomic region encompassing exon(s) 4-9 of the TPM1 gene. This variant would be expected to be in-frame, preserving the integrity of the reading frame.

NC_000015.9:g.(?_63351749)_(63356633_?)del

Gene: TPM1 (tropomyosin 1; plus strand). Cytogenetic location: 15q22.2.
Variant type: Deletion.
Identifiers: ClinVar variation 3243697 (VCV003243697.1).